The following is an entry in ClinVar:

ClinVar aggregate classification (germline): Uncertain significance (1 of 4 stars; one submission).

Conditions:
Early-infantile DEE. Also called: Ohtahara syndrome; Early infantile epileptic encephalopathy; Early infantile epileptic encephalopathy with suppression bursts. Identifiers: Orphanet 1934, MedGen C0393706, MONDO:0800491.

Submission:

Labcorp Genetics (formerly Invitae), Labcorp
Classification: Uncertain significance for Early-infantile DEE. Last evaluated: 2023-08-10. Review status: criteria provided, single submitter. Criteria: Invitae Variant Classification Sherloc (09022015). Collection method: clinical testing. Allele origin: germline.
Comment: This sequence change replaces threonine, which is neutral and polar, with serine, which is neutral and polar, at codon 1552 of the SPTAN1 protein (p.Thr1552Ser). This variant is not present in population databases (gnomAD no frequency). This variant has not been reported in the literature in individuals affected with SPTAN1-related conditions. Advanced modeling of protein sequence and biophysical properties (such as structural, functional, and spatial information, amino acid conservation, physicochemical variation, residue mobility, and thermodynamic stability) has been performed at Invitae for this missense variant, however the output from this modeling did not meet the statistical confidence thresholds required to predict the impact of this variant on SPTAN1 protein function. In summary, the available evidence is currently insufficient to determine the role of this variant in disease. Therefore, it has been classified as a Variant of Uncertain Significance.

NM_001130438.3(SPTAN1):c.4655C>G (p.Thr1552Ser)

Gene: SPTAN1 (spectrin alpha, non-erythrocytic 1; plus strand). Cytogenetic location: 9q34.11.
Variant type: single nucleotide variant.
Coding change: c.4655C>G on transcript NM_001130438.3 (MANE Select); coding-DNA position 4655, C replaced by G.
Protein change: p.Thr1552Ser; replaces threonine 1552 with serine.
Molecular consequence: missense variant.
Genome position (GRCh38, 1-based): chr9:128,609,181, C>G. VCF-style: chr9-128609181-C-G. GRCh37 (hg19) VCF-style: chr9-131371460-C-G.
Other names: c.4595C>G, p.Thr1532Ser (NM_001363765.2, NM_001375314.2, NM_001195532.2); c.4655C>G, p.Thr1552Ser (NM_001375310.1, NM_001375311.2, NM_001375313.1 and 2 more transcripts); c.4691C>G, p.Thr1564Ser (NM_001375312.2, NM_001375318.1); short protein forms T1532S, T1564S, T1552S.
Identifiers: ClinVar variation 2749672 (VCV002749672.3), dbSNP rs1407150029, ClinGen allele CA375068883.